The following is an entry in ClinVar:

ClinVar aggregate classification (germline): Likely benign. Review status: criteria provided, multiple submitters, no conflicts (2 of 4 stars). 5 submissions from 5 submitters: Likely benign (4). 1 of the submissions does not count toward it. Last evaluated 2026-03-01.

Conditions:
CENPE-related disorder. Also called: CENPE-related condition.

Allele frequency attached by ClinVar (database versions not stated): ESP Exome Variant Server 0.00023; gnomAD exomes 0.00032 and 0.00044; gnomAD 0.00035 and 0.00036; TOPMed 0.00035; ExAC 0.00044; 1000 Genomes Project 0.00060; 1000 Genomes Project 30x 0.00078.
gnomAD v4.1: 518 of 1,528,260 alleles (0.034%); highest among the groups gnomAD compares: Middle Eastern, 1.1%; 3 homozygotes.

Submissions (5):

CeGaT Center for Human Genetics Tuebingen
Classification: Likely benign. Last evaluated: 2026-03-01. Review status: criteria provided, single submitter. Criteria: CeGaT Center For Human Genetics Tuebingen Variant Classification Criteria Version 2. Collection method: clinical testing. Allele origin: germline. Affected: yes. Observed: 2 variant alleles.
Comment: CENPE: BS2

Blueprint Genetics
Classification: Likely benign. Last evaluated: 2024-11-13. Review status: criteria provided, single submitter. Criteria: ACMG Guidelines, 2015. Collection method: clinical testing. Allele origin: germline.

Genomic Diagnostic Laboratory, Division of Genomic Diagnostics, Children's Hospital of Philadelphia
Classification: Likely benign. Last evaluated: 2015-06-17. Review status: criteria provided, single submitter. Criteria: DGD Variant Analysis Guidelines. Collection method: clinical testing. Allele origin: unknown.

Breakthrough Genomics
Classification: Likely benign. Review status: criteria provided, single submitter. Criteria: ACMG Guidelines, 2015. Collection method: not provided. Allele origin: germline. Inheritance: Autosomal recessive inheritance. Affected: yes.

PreventionGenetics, part of Exact Sciences
Classification: Likely benign for CENPE-related condition. Last evaluated: 2022-02-09. Review status: no assertion criteria provided. Collection method: clinical testing. Allele origin: germline. Not counted in ClinVar's aggregate classification.
Comment: This variant is classified as likely benign based on ACMG/AMP sequence variant interpretation guidelines (Richards et al. 2015 PMID: 25741868, with internal and published modifications).

NM_001813.3(CENPE):c.6907T>A (p.Phe2303Ile)

Gene: CENPE (centromere protein E; minus strand). Cytogenetic location: 4q24.
Variant type: single nucleotide variant.
Coding change: c.6907T>A on transcript NM_001813.3 (MANE Select); coding-DNA position 6907, T replaced by A.
Protein change: p.Phe2303Ile; replaces phenylalanine 2303 with isoleucine.
Molecular consequence: missense variant.
Genome position (GRCh38, 1-based): chr4:103,132,710, A>T on the plus strand (T>A on the coding strand, the complement: CENPE is on the minus strand). VCF-style: chr4-103132710-A-T. GRCh37 (hg19) VCF-style: chr4-104053867-A-T.
Other names: c.6544T>A, p.Phe2182Ile (NM_001286734.2); short protein forms F2303I, F2182I.
Identifiers: ClinVar variation 218598 (VCV000218598.28), dbSNP rs141354341, ClinGen allele CA249104.